The following is an entry in ClinVar:

NM_005732.4(RAD50):c.1987A>G (p.Thr663Ala)

Gene: RAD50 (RAD50 double strand break repair protein; plus strand). Cytogenetic location: 5q31.1.
Variant type: single nucleotide variant.
Coding change: c.1987A>G on transcript NM_005732.4 (MANE Select); coding-DNA position 1987, A replaced by G.
Protein change: p.Thr663Ala; replaces threonine 663 with alanine.
Molecular consequence: missense variant.
Genome position (GRCh38, 1-based): chr5:132,595,590, A>G. VCF-style: chr5-132595590-A-G. GRCh37 (hg19) VCF-style: chr5-131931282-A-G.
Other names: short protein forms T663A.
Identifiers: ClinVar variation 5027712 (VCV005027712.1).

ClinVar aggregate classification (germline): Uncertain significance (1 of 4 stars; one submission).

Conditions:
Hereditary cancer-predisposing syndrome. Also called: Neoplastic Syndromes, Hereditary; Tumor predisposition; Hereditary neoplastic syndrome; Hereditary Cancer Syndrome. Identifiers: Orphanet 140162, MedGen C0027672, MeSH D009386, MONDO:0015356.

Submission:

Ambry Genetics
Classification: Uncertain significance for Hereditary cancer-predisposing syndrome. Last evaluated: 2026-07-04. Review status: criteria provided, single submitter. Criteria: Ambry Variant Classification Scheme 2023. Collection method: clinical testing. Allele origin: germline.
Comment: The p.T663A variant (also known as c.1987A>G), located in coding exon 13 of the RAD50 gene, results from an A to G substitution at nucleotide position 1987. The threonine at codon 663 is replaced by alanine, an amino acid with similar properties. This amino acid position is conserved. In addition, the in silico prediction for this alteration is inconclusive. Based on the available evidence, the clinical significance of this variant remains unclear.